The following is an entry in ClinVar:

ClinVar aggregate classification (germline): Benign/Likely benign. Review status: criteria provided, multiple submitters, no conflicts (2 of 4 stars). 5 submissions from 5 submitters: Benign (1); Likely benign (3). 1 of the submissions does not count toward it. Last evaluated 2026-01-28.

Conditions:
Neonatal-onset encephalopathy with rigidity and seizures. Also called: Lethal neonatal spasticity-epileptic encephalopathy syndrome. Identifiers: Orphanet 435845, MedGen C3281029, MONDO:0013784, OMIM 614498.
Intellectual disability. Also called: Intellectual developmental disorder; Intellectual functioning disability; intellectual disabilities. Identifiers: MedGen C3714756, MeSH D008607, MONDO:0001071, HP:0001249.

Allele frequency attached by ClinVar (database versions not stated): 1000 Genomes Project 0.00100; 1000 Genomes Project 30x 0.00141; TOPMed 0.00186; ESP Exome Variant Server 0.00215.

Submissions (5):

Labcorp Genetics (formerly Invitae), Labcorp
Classification: Benign for Neonatal-onset encephalopathy with rigidity and seizures. Last evaluated: 2026-01-28. Review status: criteria provided, single submitter. Criteria: Invitae Variant Classification Sherloc (09022015). Collection method: clinical testing. Allele origin: germline.

CeGaT Center for Human Genetics Tuebingen
Classification: Likely benign. Last evaluated: 2024-11-01. Review status: criteria provided, single submitter. Criteria: CeGaT Center For Human Genetics Tuebingen Variant Classification Criteria Version 2. Collection method: clinical testing. Allele origin: germline. Affected: yes. Observed: 2 variant alleles.
Comment: BRAT1: BP4, BS2

Blueprint Genetics
Classification: Likely benign. Last evaluated: 2024-09-04. Review status: criteria provided, single submitter. Criteria: ACMG Guidelines, 2015. Collection method: clinical testing. Allele origin: germline.

GeneDx
Classification: Likely benign. Last evaluated: 2020-12-12. Review status: criteria provided, single submitter. Criteria: GeneDx Variant Classification Process June 2021. Collection method: clinical testing. Allele origin: germline. Affected: yes.

Centre de Biologie Pathologie Génétique, Centre Hospitalier Universitaire de Lille
Classification: Likely benign for Intellectual disability. Last evaluated: 2019-01-01. Review status: no assertion criteria provided. Collection method: clinical testing. Allele origin: inherited. Affected: yes. Not counted in ClinVar's aggregate classification.

NM_152743.4(BRAT1):c.166G>A (p.Val56Met)

Gene: BRAT1 (BRCA1 associated ATM activator 1; minus strand). Cytogenetic location: 7p22.3.
Variant type: single nucleotide variant.
Coding change: c.166G>A on transcript NM_152743.4 (MANE Select); coding-DNA position 166, G replaced by A.
Protein change: p.Val56Met; replaces valine 56 with methionine.
Molecular consequence: missense variant. On other transcripts: 5 prime UTR variant (1), non-coding transcript variant (1).
Genome position (GRCh38, 1-based): chr7:2,547,440, C>T on the plus strand (G>A on the coding strand, the complement: BRAT1 is on the minus strand). VCF-style: chr7-2547440-C-T. GRCh37 (hg19) VCF-style: chr7-2587074-C-T.
Other names: c.166G>A, p.Val56Met (NM_001350626.2); c.-212G>A (NM_001350627.2); short protein forms V56M.
Identifiers: ClinVar variation 472951 (VCV000472951.40), dbSNP rs148548421, ClinGen allele CA4128286.